The following is an entry in ClinVar:

NM_000090.4(COL3A1):c.3313A>G (p.Ile1105Val)

Gene: COL3A1 (collagen type III alpha 1 chain; plus strand). Cytogenetic location: 2q32.2.
Variant type: single nucleotide variant.
Coding change: c.3313A>G on transcript NM_000090.4 (MANE Select); coding-DNA position 3313, A replaced by G.
Protein change: p.Ile1105Val; replaces isoleucine 1105 with valine.
Molecular consequence: missense variant.
Genome position (GRCh38, 1-based): chr2:189,007,557, A>G. VCF-style: chr2-189007557-A-G. GRCh37 (hg19) VCF-style: chr2-189872283-A-G.
Other names: short protein forms I1105V.
Identifiers: ClinVar variation 3074598 (VCV003074598.3), dbSNP rs2469161768, ClinGen allele CA349845758.

ClinVar aggregate classification (germline): Uncertain significance. Review status: criteria provided, multiple submitters, no conflicts (2 of 4 stars). 2 submissions from 2 submitters: Uncertain significance (2). Last evaluated 2026-01-25.

Conditions:
Ehlers-Danlos syndrome, type 4 (EDSVASC). Also called: Ehlers-Danlos Syndrome Type IV; Ehlers-Danlos syndrome vascular type; Ehlers Danlos syndrome, ecchymotic type; Ehlers Danlos syndrome, arterial type; Ehlers Danlos syndrome, Sack-Barabas type. Identifiers: Orphanet 286, MedGen C0268338, MONDO:0017314, OMIM 130050.

Submissions (2):

Labcorp Genetics (formerly Invitae), Labcorp
Classification: Uncertain significance for Ehlers-Danlos syndrome, type 4. Last evaluated: 2026-01-25. Review status: criteria provided, single submitter. Criteria: Invitae Variant Classification Sherloc (09022015). Collection method: clinical testing. Allele origin: germline.
Comment: This sequence change replaces isoleucine, which is neutral and non-polar, with valine, which is neutral and non-polar, at codon 1105 of the COL3A1 protein (p.Ile1105Val). This variant is not present in population databases (gnomAD no frequency). This variant has not been reported in the literature in individuals affected with COL3A1-related conditions. ClinVar contains an entry for this variant (Variation ID: 3074598). Invitae Evidence Modeling of protein sequence and biophysical properties (such as structural, functional, and spatial information, amino acid conservation, physicochemical variation, residue mobility, and thermodynamic stability) indicates that this missense variant is not expected to disrupt COL3A1 protein function with a negative predictive value of 95%. In summary, the available evidence is currently insufficient to determine the role of this variant in disease. Therefore, it has been classified as a Variant of Uncertain Significance.

All of Us Research Program, National Institutes of Health
Classification: Uncertain significance for Ehlers-Danlos syndrome, type 4. Last evaluated: 2023-11-20. Review status: criteria provided, single submitter. Criteria: ACMG Guidelines, 2015. Collection method: clinical testing. Allele origin: germline. Inheritance: Autosomal dominant inheritance. Observed: 1 variant allele, 1 heterozygote.
Comment: This missense variant replaces isoleucine with valine at codon 1105 of the COL3A1 protein. Computational prediction suggests that this variant may not impact protein structure and function (internally defined REVEL score threshold <= 0.5, PMID: 27666373). To our knowledge, functional studies have not been reported for this variant. This variant has not been reported in individuals affected with COL3A1-related disorders in the literature. This variant has not been identified in the general population by the Genome Aggregation Database (gnomAD). The available evidence is insufficient to determine the role of this variant in disease conclusively. Therefore, this variant is classified as a Variant of Uncertain Significance.

This study involves interpretation of variants in research participants for the purpose of population health screening. Participant phenotype was not available at the time of variant classification. Additional details can be found in publication PMID: 35346344, PMCID: PMC8962531